The following is an entry in ClinVar:

ClinVar aggregate classification (germline): Uncertain significance (1 of 4 stars; one submission).

Conditions:
Familial Mediterranean fever (FMF). Also called: POLYSEROSITIS, FAMILIAL PAROXYSMAL; POLYSEROSITIS, RECURRENT; Periodic peritonitis; Benign paroxysmal peritonitis. Identifiers: Orphanet 342, MedGen C0031069, MONDO:0018088, OMIM 249100. Disease mechanism: gain of function.

Submission:

Labcorp Genetics (formerly Invitae), Labcorp
Classification: Uncertain significance for Familial Mediterranean fever. Last evaluated: 2020-02-17. Review status: criteria provided, single submitter. Criteria: Invitae Variant Classification Sherloc (09022015). Collection method: clinical testing. Allele origin: germline.
Comment: This sequence change creates a premature translational stop signal (p.Lys435Glufs*16) in the MEFV gene. It is expected to result in an absent or disrupted protein product. This variant is not present in population databases (ExAC no frequency). This variant has not been reported in the literature in individuals with MEFV-related conditions. The current clinical and genetic evidence is not sufficient to establish whether loss-of-function variants in MEFV cause disease. In summary, the available evidence is currently insufficient to determine the role of this variant in disease. Therefore, it has been classified as a Variant of Uncertain Significance.

NM_000243.3(MEFV):c.1301_1302dup (p.Lys435fs)

Gene: MEFV (MEFV innate immunity regulator, pyrin; minus strand). Cytogenetic location: 16p13.3.
Variant type: Microsatellite.
Coding change: c.1301_1302dup on transcript NM_000243.3 (MANE Select); coding-DNA positions 1301 to 1302, 2 bases duplicated (GA; older notation c.1301_1302dupGA).
Protein change: p.Lys435fs; shifts the reading frame from lysine 435.
Molecular consequence: frameshift variant.
Genome position (GRCh38, 1-based): chr16:3,248,963-3,248,964, TC duplicated on the plus strand (GA on the coding strand, the reverse complement: MEFV is on the minus strand); duplicating any 2 consecutive bases within chr16:3,248,963-3,248,966 gives the same sequence; the c. name uses the placement nearest the transcript's 3' end. VCF-style (leftmost placement, unchanged base first): chr16-3248962-T-TTC. GRCh37 (hg19) VCF-style: chr16-3298962-T-TTC.
Other names: c.668_669dup, p.Lys224fs (NM_001198536.2); short protein forms K224fs, K435fs.
Identifiers: ClinVar variation 1055158 (VCV001055158.4), dbSNP rs2141671176, ClinGen allele CA2580613487.